The following is an entry in ClinVar:

ClinVar aggregate classification (germline): Likely pathogenic. Review status: criteria provided, multiple submitters, no conflicts (2 of 4 stars). 2 submissions from 2 submitters: Likely pathogenic (2). Last evaluated 2024-10-09.

Conditions:
Bifunctional peroxisomal enzyme deficiency (DBIF). Also called: DBP DEFICIENCY; D-bifunctional protein deficiency; PBFE DEFICIENCY. Identifiers: Orphanet 300, MedGen C0342870, MONDO:0009855, OMIM 261515. Disease mechanism: loss of function.
Perrault syndrome. Also called: Gonadal dysgenesis with auditory dysfunction, autosomal recessive inheritance. Identifiers: Orphanet 2855, MedGen C0685838, MONDO:0017312.

Submissions (2):

Victorian Clinical Genetics Services, Murdoch Childrens Research Institute
Classification: Likely pathogenic for Bifunctional peroxisomal enzyme deficiency. Last evaluated: 2024-10-09. Review status: criteria provided, single submitter. Criteria: ACMG Guidelines, 2015. Collection method: clinical testing. Allele origin: germline. Inheritance: Autosomal recessive inheritance. Affected: yes.
Comment: Based on the classification scheme VCGS_Germline_v1.3.4, this variant is classified as Likely pathogenic. Following criteria are met: 0102 - Loss of function is a known mechanism of disease in this gene and is associated with D-bifunctional protein deficiency (MIM#261515). (I) 0106 - This gene is associated with autosomal recessive disease. (I) 0115 - Variants in this gene are known to have variable expressivity. The subtypes share a similar spectrum of clinical features but differ in severity and age of onset (PMID: 27790638). (I) 0211 - Canonical splice site variant without proven consequence on splicing (no functional evidence available). (SP) 0252 - This variant is homozygous. (I) 0301 - Variant is absent from gnomAD (both v2 and v3). (SP) 0508 - In silico predictions for abnormal splicing are conflicting. (I) 0705 - No comparable variants have previous evidence for pathogenicity. (I) 0809 - Previous evidence of pathogenicity for this variant is inconclusive. It has been reported as causal for peroxisomal bifunctional enzyme deficiency in an approved patent, however no evidence was provided (European Patent Specification). (I) 0905 - No published segregation evidence has been identified for this variant. (I) 1005 - Clinically accredited laboratory assay specific to gene product shows abnormal protein function. (SP) 1102 - Strong phenotype match for this individual. (I) Legend: (SP) - Supporting pathogenic, (I) - Information, (SB) - Supporting benign

Labcorp Genetics (formerly Invitae), Labcorp
Classification: Likely pathogenic for Perrault syndrome; Bifunctional peroxisomal enzyme deficiency. Last evaluated: 2024-03-18. Review status: criteria provided, single submitter. Criteria: Invitae Variant Classification Sherloc (09022015). Collection method: clinical testing. Allele origin: germline.
Comment: This sequence change affects an acceptor splice site in intron 5 of the HSD17B4 gene. It is expected to disrupt RNA splicing. Variants that disrupt the donor or acceptor splice site typically lead to a loss of protein function (PMID: 16199547), and loss-of-function variants in HSD17B4 are known to be pathogenic (PMID: 11810648, 16385454, 20673864). This variant is not present in population databases (gnomAD no frequency). This variant has not been reported in the literature in individuals affected with HSD17B4-related conditions. ClinVar contains an entry for this variant (Variation ID: 1805096). Algorithms developed to predict the effect of sequence changes on RNA splicing suggest that this variant may disrupt the consensus splice site. In summary, the currently available evidence indicates that the variant is pathogenic, but additional data are needed to prove that conclusively. Therefore, this variant has been classified as Likely Pathogenic.

Literature cited by the submitters: PubMed 27790638 (cited by Victorian Clinical Genetics Services, Murdoch Childrens Research Institute); PubMed 16199547 (cited by Labcorp Genetics (formerly Invitae), Labcorp); PubMed 11810648 (cited by Labcorp Genetics (formerly Invitae), Labcorp); PubMed 16385454 (cited by Labcorp Genetics (formerly Invitae), Labcorp); PubMed 20673864 (cited by Labcorp Genetics (formerly Invitae), Labcorp).

NM_000414.4(HSD17B4):c.303-1G>A

Gene: HSD17B4 (hydroxysteroid 17-beta dehydrogenase 4; plus strand). Cytogenetic location: 5q23.1.
Variant type: single nucleotide variant.
Coding change: c.303-1G>A on transcript NM_000414.4 (MANE Select); the canonical splice acceptor site of the intron before coding-DNA position 303, G replaced by A.
Molecular consequence: splice acceptor variant. On other transcripts: intron variant (1).
Genome position (GRCh38, 1-based): chr5:119,475,823, G>A. VCF-style: chr5-119475823-G-A. GRCh37 (hg19) VCF-style: chr5-118811518-G-A.
Other names: c.-109-1G>A (NM_001374503.1, NM_001374502.1, NM_001374501.1 and 1 more transcripts); c.378-1G>A (NM_001199291.3); c.22+96G>A (NM_001374499.1); c.-236-1G>A (NM_001374500.1); c.231-1G>A (NM_001292027.2); c.303-1G>A (NM_001374498.1, NM_001374497.1); c.249-1G>A (NM_001199292.2).
Identifiers: ClinVar variation 1805096 (VCV001805096.5), dbSNP rs2531610317, ClinGen allele CA360864918.